The following is an entry in ClinVar:

ClinVar aggregate classification (germline): Likely benign. Review status: criteria provided, multiple submitters, no conflicts (2 of 4 stars). 2 submissions from 2 submitters: Likely benign (2). Last evaluated 2023-05-27.

Allele frequency attached by ClinVar (database versions not stated): gnomAD exomes 0.00001.

Submissions (2):

Labcorp Genetics (formerly Invitae), Labcorp
Classification: Likely benign. Last evaluated: 2023-05-27. Review status: criteria provided, single submitter. Criteria: Invitae Variant Classification Sherloc (09022015). Collection method: clinical testing. Allele origin: germline.

GeneDx
Classification: Likely benign. Last evaluated: 2015-10-26. Review status: criteria provided, single submitter. Criteria: GeneDx Variant Classification (06012015). Collection method: clinical testing. Allele origin: germline. Affected: yes.
Comment: This variant is considered likely benign or benign based on one or more of the following criteria: it is a conservative change, it occurs at a poorly conserved position in the protein, it is predicted to be benign by multiple in silico algorithms, and/or has population frequency not consistent with disease.

NM_078470.6(COX15):c.918T>C (p.Phe306=)

Gene: COX15 (cytochrome c oxidase assembly factor COX15; minus strand). Cytogenetic location: 10q24.2.
Variant type: single nucleotide variant.
Coding change: c.918T>C on transcript NM_078470.6 (MANE Select); coding-DNA position 918, T replaced by C.
Protein change: p.Phe306=; no amino-acid change (phenylalanine 306 retained).
Molecular consequence: synonymous variant. On other transcripts: intron variant (2).
Genome position (GRCh38, 1-based): chr10:99,718,415, A>G on the plus strand (T>C on the coding strand, the complement: COX15 is on the minus strand). VCF-style: chr10-99718415-A-G. GRCh37 (hg19) VCF-style: chr10-101478172-A-G.
Other names: c.918T>C, p.Phe306= (NM_001320974.2, NM_001372024.1, NM_001372025.1 and 2 more transcripts); c.381T>C, p.Phe127= (NM_001320976.2); c.891T>C, p.Phe297= (NM_001372026.1); c.833-1954T>C (NM_001372028.1, NM_001320975.2).
Identifiers: ClinVar variation 381036 (VCV000381036.5), dbSNP rs1057520934, ClinGen allele CA16605744.